The following is an entry in ClinVar:

ClinVar aggregate classification (germline): Likely pathogenic (1 of 4 stars; one submission).

Allele frequency attached by ClinVar (database versions not stated): gnomAD exomes below 0.00001.
gnomAD v4.1: 1 of 1,599,846 alleles (0.000063%); highest among the groups gnomAD compares: Non-Finnish European, 0.000085%; no homozygotes.

Submission:

Labcorp Genetics (formerly Invitae), Labcorp
Classification: Likely pathogenic. Last evaluated: 2022-08-05. Review status: criteria provided, single submitter. Criteria: Invitae Variant Classification Sherloc (09022015). Collection method: clinical testing. Allele origin: germline.
Comment: This sequence change affects a donor splice site in intron 5 of the ASNS gene. It is expected to disrupt RNA splicing. Variants that disrupt the donor or acceptor splice site typically lead to a loss of protein function (PMID: 16199547), and loss-of-function variants in ASNS are known to be pathogenic (PMID: 27422383, 30057589). This variant has not been reported in the literature in individuals affected with ASNS-related conditions. Algorithms developed to predict the effect of sequence changes on RNA splicing suggest that this variant may disrupt the consensus splice site. In summary, the currently available evidence indicates that the variant is pathogenic, but additional data are needed to prove that conclusively. Therefore, this variant has been classified as Likely Pathogenic. This variant is not present in population databases (gnomAD no frequency).

Literature cited by the submitters: PubMed 16199547; PubMed 27422383; PubMed 30057589.

NM_001673.5(ASNS):c.673+1G>A

Genes: ASNS (asparagine synthetase (glutamine-hydrolyzing); minus strand), CZ1P-ASNS (CZ1P-ASNS readthrough; minus strand). Cytogenetic location: 7q21.3.
Variant type: single nucleotide variant.
Coding change: c.673+1G>A on transcript NM_001673.5 (MANE Select); the canonical splice donor site of the intron after coding-DNA position 673, G replaced by A.
Molecular consequence: splice donor variant.
Genome position (GRCh38, 1-based): chr7:97,859,212, C>T on the plus strand (G>A on the coding strand, the complement: ASNS is on the minus strand). VCF-style: chr7-97859212-C-T. GRCh37 (hg19) VCF-style: chr7-97488524-C-T.
Other names: c.673+1G>A (NM_001352496.2, NM_183356.4, NM_133436.3); c.424+1G>A (NM_001178076.2, NM_001178077.1); c.610+1G>A (NM_001178075.2).
Identifiers: ClinVar variation 2021610 (VCV002021610.4), dbSNP rs2484661506, ClinGen allele CA368269219.